The following is an entry in ClinVar:

NM_001267550.2(TTN):c.36737A>T (p.Glu12246Val)

Gene: TTN (titin; minus strand). Cytogenetic location: 2q31.2.
Variant type: single nucleotide variant.
Coding change: c.36737A>T on transcript NM_001267550.2 (MANE Select); coding-DNA position 36737, A replaced by T.
Protein change: p.Glu12246Val; replaces glutamic acid 12246 with valine.
Molecular consequence: missense variant. On other transcripts: intron variant (3).
Genome position (GRCh38, 1-based): chr2:178,663,019, T>A on the plus strand (A>T on the coding strand, the complement: TTN is on the minus strand). VCF-style: chr2-178663019-T-A. GRCh37 (hg19) VCF-style: chr2-179527746-T-A.
Other names: c.34301A>T, p.Glu11434Val (NM_001256850.1); c.31520A>T, p.Glu10507Val (NM_133378.4); c.13283-20702A>T (NM_003319.4); c.13859-20702A>T (NM_133437.4); c.13658-20702A>T (NM_133432.3); short protein forms E10507V, E12246V, E11434V.
Identifiers: ClinVar variation 191984 (VCV000191984.13), dbSNP rs786205395, ClinGen allele CA238026.

ClinVar aggregate classification (germline): Uncertain significance. Review status: criteria provided, multiple submitters, no conflicts (2 of 4 stars). 7 submissions from 7 submitters: Uncertain significance (4). 3 of the submissions do not count toward it. Last evaluated 2026-03-09.

Conditions:
TTN-related disorder. Also called: TTN-related condition; TTN-related disease; TTN-related disorders.
Dilated cardiomyopathy 1G (CMD1G). Identifiers: Orphanet 154, MedGen C1858763, MONDO:0011400, OMIM 604145.
Autosomal recessive limb-girdle muscular dystrophy type 2J (LGMDR10). Also called: Limb-girdle muscular dystrophy, type 2J; MUSCULAR DYSTROPHY, LIMB-GIRDLE, AUTOSOMAL RECESSIVE 10. Identifiers: Orphanet 140922, MedGen C1837342, MONDO:0012127, OMIM 608807.

Allele frequency attached by ClinVar (database versions not stated): gnomAD exomes 0.00007; TOPMed 0.00011; gnomAD 0.00012.

Submissions (7):

PreventionGenetics, part of Exact Sciences
Classification: Uncertain significance for TTN-related condition. Last evaluated: 2026-03-09. Review status: criteria provided, single submitter. Criteria: ACMG Guidelines, 2015. Collection method: clinical testing. Allele origin: germline.
Comment: The TTN c.36737A>T variant is predicted to result in the amino acid substitution p.Glu12246Val. This variant has been reported in a large cohort study of cardiomyopathy associated variants; however, pathogenicity was not established, and the variant was categorized as uncertain (Ng et al. 2013. PubMed ID: 23861362). This variant is reported in 0.018% of alleles in individuals of European (non-Finnish) descent in gnomAD. Although we suspect that this variant may be benign, at this time, the clinical significance of this variant is uncertain due to the absence of conclusive functional and genetic evidence.

Revvity Omics, Revvity
Classification: Uncertain significance. Last evaluated: 2021-12-15. Review status: criteria provided, single submitter. Criteria: ACMG Guidelines, 2015. Collection method: clinical testing. Allele origin: germline.

Labcorp Genetics (formerly Invitae), Labcorp
Classification: Uncertain significance for Dilated cardiomyopathy 1G; Autosomal recessive limb-girdle muscular dystrophy type 2J. Last evaluated: 2017-12-06. Review status: criteria provided, single submitter. Criteria: Invitae Variant Classification Sherloc (09022015). Collection method: clinical testing. Allele origin: germline.

Biesecker Lab/Clinical Genomics Section, National Institutes of Health
Classification: Uncertain significance. Last evaluated: 2013-06-24. Review status: criteria provided, single submitter. Criteria: Ng et al. (Circ Cardiovasc Genet. 2013). Collection method: research. Allele origin: unknown. Observed: 1 variant allele. Study: ClinSeq.
Comment: The study set was not selected for affection status in relation to any cancer. Pathogenicity categories were based on literature curation. See Pubmed ID:23861362 for details.

Medical sequencing

Clinical Genetics, Academic Medical Center
Classification: Uncertain significance. Review status: no assertion criteria provided. Collection method: clinical testing. Allele origin: germline. Affected: yes. Study: VKGL Data-share Consensus. Not counted in ClinVar's aggregate classification.

Diagnostic Laboratory, Department of Genetics, University Medical Center Groningen
Classification: Uncertain significance. Review status: no assertion criteria provided. Collection method: clinical testing. Allele origin: germline. Affected: yes. Study: VKGL Data-share Consensus. Not counted in ClinVar's aggregate classification.

Genome Diagnostics Laboratory, Amsterdam University Medical Center
Classification: Uncertain significance. Review status: no assertion criteria provided. Collection method: clinical testing. Allele origin: germline. Affected: yes. Study: VKGL Data-share Consensus. Not counted in ClinVar's aggregate classification.